The following is an entry in ClinVar:

ClinVar aggregate classification (germline): Pathogenic/Likely pathogenic. Review status: criteria provided, multiple submitters, no conflicts (2 of 4 stars). 3 submissions from 3 submitters: Pathogenic (1); Likely pathogenic (2). Last evaluated 2022-04-30.

Conditions:
Deficiency of acetyl-CoA acetyltransferase. Also called: 3-KETOTHIOLASE DEFICIENCY; 3-OXOTHIOLASE DEFICIENCY; Beta-ketothiolase deficiency; MITOCHONDRIAL ACETOACETYL-CoA THIOLASE DEFICIENCY. Identifiers: Orphanet 134, MedGen C1536500, MONDO:0008760, OMIM 203750. Disease mechanism: loss of function.

Allele frequency attached by ClinVar (database versions not stated): gnomAD exomes below 0.00001.
gnomAD v4.1: 1 of 1,614,126 alleles (0.000062%); highest among the groups gnomAD compares: Non-Finnish European, 0.000085%; no homozygotes.

Submissions (3):

Labcorp Genetics (formerly Invitae), Labcorp
Classification: Pathogenic for Deficiency of acetyl-CoA acetyltransferase. Last evaluated: 2022-04-30. Review status: criteria provided, single submitter. Criteria: Invitae Variant Classification Sherloc (09022015). Collection method: clinical testing. Allele origin: germline.
Comment: For these reasons, this variant has been classified as Pathogenic. Advanced modeling of protein sequence and biophysical properties (such as structural, functional, and spatial information, amino acid conservation, physicochemical variation, residue mobility, and thermodynamic stability) performed at Invitae indicates that this missense variant is expected to disrupt ACAT1 protein function. ClinVar contains an entry for this variant (Variation ID: 252925). This missense change has been observed in individual(s) with beta-ketothiolase deficiency (PMID: 27264805). In at least one individual the data is consistent with being in trans (on the opposite chromosome) from a pathogenic variant. It has also been observed to segregate with disease in related individuals. This variant is not present in population databases (gnomAD no frequency). This sequence change replaces serine, which is neutral and polar, with phenylalanine, which is neutral and non-polar, at codon 218 of the ACAT1 protein (p.Ser218Phe).

Department of Pediatrics, Gifu University
Classification: Likely pathogenic for Deficiency of acetyl-CoA acetyltransferase. Last evaluated: 2019-05-05. Review status: criteria provided, single submitter. Criteria: ACMG Guidelines, 2015. Collection method: literature only. Allele origin: germline. Affected: yes. Observed: 2 variant alleles.

Shenzhen Institute of Pediatrics, Shenzhen Children's Hospital
Classification: Likely pathogenic for Deficiency of acetyl-CoA acetyltransferase. Last evaluated: 2015-03-07. Review status: criteria provided, single submitter. Criteria: ACMG Guidelines, 2015. Collection method: clinical testing. Allele origin: paternal. Affected: yes.

Literature cited by the submitters: PubMed 27264805 (cited by Labcorp Genetics (formerly Invitae), Labcorp and Shenzhen Institute of Pediatrics, Shenzhen Children's Hospital); PubMed 31268215 (cited by Department of Pediatrics, Gifu University).

NM_000019.4(ACAT1):c.653C>T (p.Ser218Phe)

Gene: ACAT1 (acetyl-CoA acetyltransferase 1; plus strand). Cytogenetic location: 11q22.3.
Variant type: single nucleotide variant.
Coding change: c.653C>T on transcript NM_000019.4 (MANE Select); coding-DNA position 653, C replaced by T.
Protein change: p.Ser218Phe; replaces serine 218 with phenylalanine.
Molecular consequence: missense variant.
Genome position (GRCh38, 1-based): chr11:108,140,138, C>T. VCF-style: chr11-108140138-C-T. GRCh37 (hg19) VCF-style: chr11-108010865-C-T.
Other names: short protein forms S218F.
Identifiers: ClinVar variation 252925 (VCV000252925.8), dbSNP rs879255505, ClinGen allele CA10586129.